The following is an entry in ClinVar:

ClinVar aggregate classification (germline): Uncertain significance (1 of 4 stars; one submission).

Conditions:
Early-infantile DEE. Also called: Early infantile epileptic encephalopathy; Early infantile epileptic encephalopathy with suppression bursts; Ohtahara syndrome. Identifiers: Orphanet 1934, MedGen C0393706, MONDO:0800491.

Submission:

Labcorp Genetics (formerly Invitae), Labcorp
Classification: Uncertain significance for Early-infantile DEE. Last evaluated: 2022-07-11. Review status: criteria provided, single submitter. Criteria: Invitae Variant Classification Sherloc (09022015). Collection method: clinical testing. Allele origin: germline.
Comment: This sequence change replaces serine, which is neutral and polar, with phenylalanine, which is neutral and non-polar, at codon 871 of the HCN1 protein (p.Ser871Phe). This variant is not present in population databases (gnomAD no frequency). In summary, the available evidence is currently insufficient to determine the role of this variant in disease. Therefore, it has been classified as a Variant of Uncertain Significance. Advanced modeling of protein sequence and biophysical properties (such as structural, functional, and spatial information, amino acid conservation, physicochemical variation, residue mobility, and thermodynamic stability) performed at Invitae indicates that this missense variant is not expected to disrupt HCN1 protein function. ClinVar contains an entry for this variant (Variation ID: 1350453). This variant has not been reported in the literature in individuals affected with HCN1-related conditions.

NM_021072.4(HCN1):c.2612C>T (p.Ser871Phe)

Gene: HCN1 (hyperpolarization activated cyclic nucleotide gated potassium channel 1; minus strand). Cytogenetic location: 5p12.
Variant type: single nucleotide variant.
Coding change: c.2612C>T on transcript NM_021072.4 (MANE Select); coding-DNA position 2612, C replaced by T.
Protein change: p.Ser871Phe; replaces serine 871 with phenylalanine.
Molecular consequence: missense variant.
Genome position (GRCh38, 1-based): chr5:45,261,982, G>A on the plus strand (C>T on the coding strand, the complement: HCN1 is on the minus strand). VCF-style: chr5-45261982-G-A. GRCh37 (hg19) VCF-style: chr5-45262084-G-A.
Other names: short protein forms S871F.
Identifiers: ClinVar variation 1350453 (VCV001350453.9), dbSNP rs1744747998, ClinGen allele CA359702999.